The following is an entry in ClinVar:

NM_182920.2(ADAMTS9):c.4222G>A (p.Val1408Ile)

Gene: ADAMTS9 (ADAM metallopeptidase with thrombospondin type 1 motif 9; minus strand). Cytogenetic location: 3p14.1.
Variant type: single nucleotide variant.
Coding change: c.4222G>A on transcript NM_182920.2 (MANE Select); coding-DNA position 4222, G replaced by A.
Protein change: p.Val1408Ile; replaces valine 1408 with isoleucine.
Molecular consequence: missense variant.
Genome position (GRCh38, 1-based): chr3:64,594,392, C>T on the plus strand (G>A on the coding strand, the complement: ADAMTS9 is on the minus strand). VCF-style: chr3-64594392-C-T. GRCh37 (hg19) VCF-style: chr3-64580068-C-T.
Other names: c.4138G>A, p.Val1380Ile (NM_001318781.2); short protein forms V1380I, V1408I.
Identifiers: ClinVar variation 1253274 (VCV001253274.14), dbSNP rs77982452, ClinGen allele CA2480583.

ClinVar aggregate classification (germline): Benign. Review status: criteria provided, multiple submitters, no conflicts (2 of 4 stars). 4 submissions from 4 submitters: Benign (3). 1 of the submissions does not count toward it. Last evaluated 2026-01-15.

Conditions:
ADAMTS9-related disorder. Also called: ADAMTS9-related condition.

Allele frequency attached by ClinVar (database versions not stated): ESP Exome Variant Server 0.00138; 1000 Genomes Project 0.03355; 1000 Genomes Project 30x 0.03451.
gnomAD v4.1: 12,496 of 1,614,076 alleles (0.77%); highest among the groups gnomAD compares: East Asian, 8.7%; 491 homozygotes.

Submissions (11):

Labcorp Genetics (formerly Invitae), Labcorp
Classification: Benign. Last evaluated: 2026-01-15. Review status: criteria provided, single submitter. Criteria: Invitae Variant Classification Sherloc (09022015). Collection method: clinical testing. Allele origin: germline.

GeneDx
Classification: Benign. Last evaluated: 2021-05-04. Review status: criteria provided, single submitter. Criteria: GeneDx Variant Classification Process June 2021. Collection method: clinical testing. Allele origin: germline. Affected: yes.

Breakthrough Genomics
Classification: Benign. Review status: criteria provided, single submitter. Criteria: ACMG Guidelines, 2015. Collection method: not provided. Allele origin: germline. Inheritance: Unknown mechanism. Affected: yes.

PreventionGenetics, part of Exact Sciences
Classification: Benign for ADAMTS9-related condition. Last evaluated: 2019-11-13. Review status: no assertion criteria provided. Collection method: clinical testing. Allele origin: germline. Not counted in ClinVar's aggregate classification.
Comment: This variant is classified as benign based on ACMG/AMP sequence variant interpretation guidelines (Richards et al. 2015 PMID: 25741868, with internal and published modifications).

Dr. Peter K. Rogan Lab, Western University
No classification provided (evidence only). Condition: Familial cancer of breast. Review status: no classification provided. Collection method: in vitro. Allele origin: not applicable. Functional consequence: skipped exon. Not counted in ClinVar's aggregate classification.

Dr. Peter K. Rogan Lab, Western University
No classification provided (evidence only). Condition: Thyroid cancer, nonmedullary, 1. Review status: no classification provided. Collection method: in vitro. Allele origin: not applicable. Functional consequence: skipped exon. Not counted in ClinVar's aggregate classification.

Dr. Peter K. Rogan Lab, Western University
No classification provided (evidence only). Condition: Hepatocellular carcinoma. Review status: no classification provided. Collection method: in vitro. Allele origin: not applicable. Functional consequence: retained intron. Not counted in ClinVar's aggregate classification.

Dr. Peter K. Rogan Lab, Western University
No classification provided (evidence only). Condition: Hepatocellular carcinoma. Review status: no classification provided. Collection method: in vitro. Allele origin: not applicable. Functional consequence: retained intron. Not counted in ClinVar's aggregate classification.

Dr. Peter K. Rogan Lab, Western University
No classification provided (evidence only). Condition: Uterine carcinosarcoma. Review status: no classification provided. Collection method: in vitro. Allele origin: not applicable. Functional consequence: skipped exon. Not counted in ClinVar's aggregate classification.

Dr. Peter K. Rogan Lab, Western University
No classification provided (evidence only). Condition: Malignant tumor of esophagus. Review status: no classification provided. Collection method: in vitro. Allele origin: not applicable. Functional consequence: retained intron. Not counted in ClinVar's aggregate classification.

Dr. Peter K. Rogan Lab, Western University
No classification provided (evidence only). Condition: Hepatocellular carcinoma. Review status: no classification provided. Collection method: in vitro. Allele origin: not applicable. Functional consequence: retained intron. Not counted in ClinVar's aggregate classification.